The following is an entry in ClinVar:

NM_020921.4(NIN):c.2393A>T (p.Glu798Val)

Gene: NIN (ninein; minus strand). Cytogenetic location: 14q22.1.
Variant type: single nucleotide variant.
Coding change: c.2393A>T on transcript NM_020921.4 (MANE Select); coding-DNA position 2393, A replaced by T.
Protein change: p.Glu798Val; replaces glutamic acid 798 with valine.
Molecular consequence: missense variant.
Genome position (GRCh38, 1-based): chr14:50,759,863, T>A on the plus strand (A>T on the coding strand, the complement: NIN is on the minus strand). VCF-style: chr14-50759863-T-A. GRCh37 (hg19) VCF-style: chr14-51226581-T-A.
Other names: c.2393A>T, p.Glu798Val (NM_016350.5, NM_182944.3, NM_182946.2); short protein forms E798V.
Identifiers: ClinVar variation 2006406 (VCV002006406.4), dbSNP rs2505881708, ClinGen allele CA389701460.

ClinVar aggregate classification (germline): Uncertain significance (1 of 4 stars; one submission).

Submission:

Labcorp Genetics (formerly Invitae), Labcorp
Classification: Uncertain significance. Last evaluated: 2022-06-14. Review status: criteria provided, single submitter. Criteria: Invitae Variant Classification Sherloc (09022015). Collection method: clinical testing. Allele origin: germline.
Comment: This sequence change replaces glutamic acid, which is acidic and polar, with valine, which is neutral and non-polar, at codon 798 of the NIN protein (p.Glu798Val). This variant is not present in population databases (gnomAD no frequency). This variant has not been reported in the literature in individuals affected with NIN-related conditions. Algorithms developed to predict the effect of missense changes on protein structure and function are either unavailable or do not agree on the potential impact of this missense change (SIFT: "Deleterious"; PolyPhen-2: "Possibly Damaging"; Align-GVGD: "Class C15"). In summary, the available evidence is currently insufficient to determine the role of this variant in disease. Therefore, it has been classified as a Variant of Uncertain Significance.